The following is an entry in ClinVar:

NM_018082.6(POLR3B):c.2714-2A>G

Gene: POLR3B (RNA polymerase III subunit B; plus strand). Cytogenetic location: 12q23.3.
Variant type: single nucleotide variant.
Coding change: c.2714-2A>G on transcript NM_018082.6 (MANE Select); the canonical splice acceptor site of the intron before coding-DNA position 2714, A replaced by G.
Molecular consequence: splice acceptor variant.
Genome position (GRCh38, 1-based): chr12:106,496,053, A>G. VCF-style: chr12-106496053-A-G. GRCh37 (hg19) VCF-style: chr12-106889831-A-G.
Other names: c.2540-2A>G (NM_001160708.2).
Identifiers: ClinVar variation 4976322 (VCV004976322.1).

ClinVar aggregate classification (germline): Uncertain significance (1 of 4 stars; one submission).

gnomAD v4.1: 12 of 1,579,700 alleles (0.00076%); highest among the groups gnomAD compares: East Asian, 0.0022%; no homozygotes.

Submission:

GeneDx
Classification: Uncertain significance. Last evaluated: 2026-02-05. Review status: criteria provided, single submitter. Criteria: GeneDx Variant Classification Process June 2021. Collection method: clinical testing. Allele origin: germline.
Comment: Canonical splice site variant predicted to result in a null allele in a gene for which loss of function is a known mechanism of disease; Has not been previously published as pathogenic or benign to our knowledge